The following is an entry in ClinVar:

NM_014244.5(ADAMTS2):c.2561_2562del (p.Val854fs)

Gene: ADAMTS2 (ADAM metallopeptidase with thrombospondin type 1 motif 2; minus strand). Cytogenetic location: 5q35.3.
Variant type: Microsatellite.
Coding change: c.2561_2562del on transcript NM_014244.5 (MANE Select); coding-DNA positions 2561 to 2562, 2 bases deleted (TG; older notation c.2561_2562delTG).
Protein change: p.Val854fs; shifts the reading frame from valine 854.
Molecular consequence: frameshift variant.
Genome position (GRCh38, 1-based): chr5:179,128,014-179,128,015, CA deleted on the plus strand (TG on the coding strand, the reverse complement: ADAMTS2 is on the minus strand); deleting any 2 consecutive bases within chr5:179,128,014-179,128,017 gives the same sequence; the c. name uses the placement nearest the transcript's 3' end. VCF-style (leftmost placement, unchanged base first): chr5-179128013-CCA-C. GRCh37 (hg19) VCF-style: chr5-178555014-CCA-C.
Other names: short protein forms V854fs.
Identifiers: ClinVar variation 504316 (VCV000504316.3), dbSNP rs1554124086, ClinGen allele CA658796698.
Genomic context (GRCh38, chr5:179,128,013, plus strand): 5'-CCTCACCTCCGCCACAGGGCTTGGAGCACGGAGACCACTTCTTCAGGGCCCACTCGTAGA[CCA>C]CAGAGTCCTCTTCCAGGACGTTGTTGTCGTCGACATTCAGTGAGTCCTCATGGATCATGT-3'

ClinVar aggregate classification (germline): Pathogenic/Likely pathogenic. Review status: criteria provided, multiple submitters, no conflicts (2 of 4 stars). 2 submissions from 2 submitters: Pathogenic (1); Likely pathogenic (1). Last evaluated 2022-05-04.

Conditions:
Ehlers-Danlos syndrome, dermatosparaxis type. Also called: Dermatosparaxis; EDS VIIC; Ehlers-Danlos syndrome, type VII, autosomal recessive. Identifiers: Orphanet 1901, MedGen C2700425, MONDO:0009161, OMIM 225410.

Submissions (2):

Mendelics
Classification: Pathogenic for Ehlers-Danlos syndrome, dermatosparaxis type. Last evaluated: 2022-05-04. Review status: criteria provided, single submitter. Criteria: Mendelics Assertion Criteria 2019. Collection method: clinical testing. Allele origin: germline.

GeneDx
Classification: Likely pathogenic. Last evaluated: 2018-02-06. Review status: criteria provided, single submitter. Criteria: GeneDx Variant Classification (06012015). Collection method: clinical testing. Allele origin: germline. Affected: yes.
Comment: The c.2561_2562delTG variant in the ADAMTS2 gene has not been reported previously as a pathogenic variant nor as a benign variant, to our knowledge. The c.2561_2562delTG variant causes a frameshift starting with codon Valine 854, changes this amino acid to a Glycine residue, and creates a premature Stop codon at position 73 of the new reading frame, denoted p.Val854GlyfsX73. This variant is predicted to cause loss of normal protein function either through protein truncation or nonsense-mediated mRNA decay. The c.2561_2562delTG variant is not observed in large population cohorts (Lek et al., 2016). We interpret c.2561_2562delTG as a likely pathogenic variant.